The following is an entry in ClinVar:

NM_001330723.2(SNX27):c.103G>A (p.Gly35Ser)

Genes: SNX27 (sorting nexin 27; plus strand), LOC129931442 (ATAC-STARR-seq lymphoblastoid silent region 1324; plus strand). Cytogenetic location: 1q21.3.
Variant type: single nucleotide variant.
Coding change: c.103G>A on transcript NM_001330723.2 (MANE Select); coding-DNA position 103, G replaced by A.
Protein change: p.Gly35Ser; replaces glycine 35 with serine.
Molecular consequence: missense variant.
Genome position (GRCh38, 1-based): chr1:151,612,304, G>A. VCF-style: chr1-151612304-G-A. GRCh37 (hg19) VCF-style: chr1-151584780-G-A.
Other names: c.103G>A, p.Gly35Ser (NM_030918.6); short protein forms G35S.
Identifiers: ClinVar variation 2103225 (VCV002103225.4), dbSNP rs1236397430, ClinGen allele CA341973831.
Genomic context (GRCh38, chr1:151,612,304, plus strand): 5'-CACAGGAACGGAGGTGGCGGCGGCGGCGGGGGGTCTGGGCTCCACTGCGCCGGGAACGGC[G>A]GCGGGGGAGGCGGCGGCCCGCGGGTCGTGCGCATCGTCAAGTCCGAGTCCGGCTACGGCT-3'
Protein context (NP_001317652.1, residues 25-45): GSGLHCAGNG[Gly35Ser]GGGGGPRVVR

ClinVar aggregate classification (germline): Uncertain significance (1 of 4 stars; one submission).

Conditions:
Severe myoclonic epilepsy in infancy (DRVT). Also called: Epileptic encephalopathy, early infantile, 6 (Dravet syndrome); Dravet syndrome; Severe Myoclonic Epilepsy in Infancy (SMEI); SEVERE MYOCLONIC EPILEPSY OF INFANCY; DEVELOPMENTAL AND EPILEPTIC ENCEPHALOPATHY 6A. Identifiers: Orphanet 33069, MedGen C0751122, MONDO:0100135, OMIM 607208.

Allele frequency attached by ClinVar (database versions not stated): gnomAD exomes below 0.00001.
gnomAD v4.1: 1 of 1,514,252 alleles (0.000066%); highest among the groups gnomAD compares: Non-Finnish European, 0.000088%; no homozygotes.

Submission:

Labcorp Genetics (formerly Invitae), Labcorp
Classification: Uncertain significance for Severe myoclonic epilepsy in infancy. Last evaluated: 2024-11-11. Review status: criteria provided, single submitter. Criteria: Invitae Variant Classification Sherloc (09022015). Collection method: clinical testing. Allele origin: germline.
Comment: This sequence change replaces glycine, which is neutral and non-polar, with serine, which is neutral and polar, at codon 35 of the SNX27 protein (p.Gly35Ser). This variant is not present in population databases (gnomAD no frequency). This variant has not been reported in the literature in individuals affected with SNX27-related conditions. ClinVar contains an entry for this variant (Variation ID: 2103225). An algorithm developed to predict the effect of missense changes on protein structure and function (PolyPhen-2) suggests that this variant is likely to be tolerated. In summary, the available evidence is currently insufficient to determine the role of this variant in disease. Therefore, it has been classified as a Variant of Uncertain Significance.